The following is an entry in ClinVar:

NM_018129.4(PNPO):c.504G>A (p.Gly168=)

Gene: PNPO (pyridoxamine 5'-phosphate oxidase; plus strand). Cytogenetic location: 17q21.32.
Variant type: single nucleotide variant.
Coding change: c.504G>A on transcript NM_018129.4 (MANE Select); coding-DNA position 504, G replaced by A.
Protein change: p.Gly168=; no amino-acid change (glycine 168 retained).
Molecular consequence: synonymous variant.
Genome position (GRCh38, 1-based): chr17:47,945,947, G>A. VCF-style: chr17-47945947-G-A. GRCh37 (hg19) VCF-style: chr17-46023313-G-A.
Identifiers: ClinVar variation 1583050 (VCV001583050.30), dbSNP rs141387622, ClinGen allele CA8629210.
Genomic context (GRCh38, chr17:47,945,947, plus strand): 5'-ACTGCCTGAGGAGGAGGCTGAGTGCTACTTCCACTCCCGCCCCAAGAGCAGCCAGATTGG[G>A]GCTGTGGTCAGCCACCAGAGTTCTGTGATCCCTGATCGGGAGGTGAGTGGAGCTCCGCTG-3'
Protein context (NP_060599.1, residues 158-178): FHSRPKSSQI[Gly168=]AVVSHQSSVI

ClinVar aggregate classification (germline): Likely benign. Review status: criteria provided, multiple submitters, no conflicts (2 of 4 stars). 2 submissions from 2 submitters: Likely benign (2). Last evaluated 2025-12-19.

Conditions:
Pyridoxal phosphate-responsive seizures (PNPOD). Also called: Pyridoxamine 5-Prime-Phosphate Oxidase Deficiency; Pyridoxine-5'-phosphate oxidase deficiency; EPILEPTIC ENCEPHALOPATHY, NEONATAL, PNPO-RELATED; SEIZURES, PYRIDOXINE-RESISTANT, PLP-SENSITIVE; Pyridoxal 5'-Phosphate (PLP)-Dependent Epilepsy. Identifiers: Orphanet 79096, MedGen C1864723, MONDO:0012407, OMIM 610090. Disease mechanism: loss of function.

Allele frequency attached by ClinVar (database versions not stated): gnomAD 0.00001 and 0.00002; gnomAD exomes 0.00001 and 0.00002; TOPMed 0.00002; ExAC 0.00004; ESP Exome Variant Server 0.00015.
gnomAD v4.1: 15 of 1,613,938 alleles (0.00093%); highest among the groups gnomAD compares: South Asian, 0.0066%; no homozygotes.

Submissions (2):

Labcorp Genetics (formerly Invitae), Labcorp
Classification: Likely benign for Pyridoxal phosphate-responsive seizures. Last evaluated: 2025-12-19. Review status: criteria provided, single submitter. Criteria: Invitae Variant Classification Sherloc (09022015). Collection method: clinical testing. Allele origin: germline.

CeGaT Center for Human Genetics Tuebingen
Classification: Likely benign. Last evaluated: 2023-12-01. Review status: criteria provided, single submitter. Criteria: CeGaT Center For Human Genetics Tuebingen Variant Classification Criteria Version 2. Collection method: clinical testing. Allele origin: germline. Affected: yes. Observed: 1 variant allele.
Comment: PNPO: BP4, BP7